The following is an entry in ClinVar:

ClinVar aggregate classification (germline): Uncertain significance (1 of 4 stars; one submission).

Conditions:
Inborn genetic diseases. Identifiers: MedGen C0950123, MeSH D030342.

Allele frequency attached by ClinVar (database versions not stated): TOPMed below 0.00001; gnomAD 0.00001; ExAC 0.00004.
gnomAD v4.1: 25 of 1,614,046 alleles (0.0015%); highest among the groups gnomAD compares: South Asian, 0.026%; no homozygotes.

Submission:

Ambry Genetics
Classification: Uncertain significance for Inborn genetic diseases. Last evaluated: 2021-02-19. Review status: criteria provided, single submitter. Criteria: Ambry Variant Classification Scheme 2023. Collection method: clinical testing. Allele origin: germline.
Comment: The c.686A>G (p.K229R) alteration is located in exon 4 (coding exon 4) of the SRD5A3 gene. This alteration results from a A to G substitution at nucleotide position 686, causing the lysine (K) at amino acid position 229 to be replaced by an arginine (R). The p.K229R alteration is predicted to be tolerated by in silico analysis. Based on insufficient or conflicting evidence, the clinical significance of this alteration remains unclear.

NM_024592.5(SRD5A3):c.686A>G (p.Lys229Arg)

Genes: SRD5A3 (steroid 5 alpha-reductase 3; plus strand), SRD5A3-AS1 (SRD5A3 antisense RNA 1; minus strand). Cytogenetic location: 4q12.
Variant type: single nucleotide variant.
Coding change: c.686A>G on transcript NM_024592.5 (MANE Select); coding-DNA position 686, A replaced by G.
Protein change: p.Lys229Arg; replaces lysine 229 with arginine.
Molecular consequence: missense variant.
Genome position (GRCh38, 1-based): chr4:55,367,711, A>G. VCF-style: chr4-55367711-A-G. GRCh37 (hg19) VCF-style: chr4-56233878-A-G.
Other names: short protein forms K229R.
Identifiers: ClinVar variation 2228638 (VCV002228638.2), dbSNP rs775512921, ClinGen allele CA2925363.